The following is an entry in ClinVar:

ClinVar aggregate classification (germline): Uncertain significance (1 of 4 stars; one submission).

Conditions:
Early-infantile DEE. Also called: Early infantile epileptic encephalopathy with suppression bursts; Early infantile epileptic encephalopathy; Ohtahara syndrome. Identifiers: Orphanet 1934, MedGen C0393706, MONDO:0800491.

Allele frequency attached by ClinVar (database versions not stated): gnomAD exomes below 0.00001; gnomAD 0.00001; TOPMed 0.00001.
gnomAD v4.1: 7 of 1,603,530 alleles (0.00044%); highest among the groups gnomAD compares: African/African-American, 0.0013%; no homozygotes.

Submission:

Labcorp Genetics (formerly Invitae), Labcorp
Classification: Uncertain significance for Early-infantile DEE. Last evaluated: 2023-03-02. Review status: criteria provided, single submitter. Criteria: Invitae Variant Classification Sherloc (09022015). Collection method: clinical testing. Allele origin: germline.
Comment: This variant has not been reported in the literature in individuals affected with SPTAN1-related conditions. In summary, the available evidence is currently insufficient to determine the role of this variant in disease. Therefore, it has been classified as a Variant of Uncertain Significance. Variants that disrupt the consensus splice site are a relatively common cause of aberrant splicing (PMID: 17576681, 9536098). Algorithms developed to predict the effect of sequence changes on RNA splicing suggest that this variant is not likely to affect RNA splicing. ClinVar contains an entry for this variant (Variation ID: 1904085). This variant is not present in population databases (gnomAD no frequency). This sequence change falls in intron 49 of the SPTAN1 gene. It does not directly change the encoded amino acid sequence of the SPTAN1 protein. It affects a nucleotide within the consensus splice site.

Literature cited by the submitters: PubMed 17576681; PubMed 9536098.

NM_001130438.3(SPTAN1):c.6576+4C>T

Gene: SPTAN1 (spectrin alpha, non-erythrocytic 1; plus strand). Cytogenetic location: 9q34.11.
Variant type: single nucleotide variant.
Coding change: c.6576+4C>T on transcript NM_001130438.3 (MANE Select); 4 bases into the intron after coding-DNA position 6576, C replaced by T.
Molecular consequence: intron variant.
Genome position (GRCh38, 1-based): chr9:128,626,691, C>T. VCF-style: chr9-128626691-C-T. GRCh37 (hg19) VCF-style: chr9-131388970-C-T.
Other names: c.6612+4C>T (NM_001375318.1, NM_001375312.2); c.6576+4C>T (NM_001375311.2, NM_001375310.1, NM_001363759.2 and 1 more transcripts); c.6516+4C>T (NM_001375314.2, NM_001363765.2); c.6561+4C>T (NM_003127.4); c.6501+4C>T (NM_001195532.2).
Identifiers: ClinVar variation 1904085 (VCV001904085.5), dbSNP rs1183184169, ClinGen allele CA590640060.